The following is an entry in ClinVar:

ClinVar aggregate classification (germline): Uncertain significance (1 of 4 stars; one submission).

Allele frequency attached by ClinVar (database versions not stated): TOPMed 0.00001.

Submission:

Labcorp Genetics (formerly Invitae), Labcorp
Classification: Uncertain significance. Last evaluated: 2022-02-10. Review status: criteria provided, single submitter. Criteria: Invitae Variant Classification Sherloc (09022015). Collection method: clinical testing. Allele origin: germline.
Comment: This variant has not been reported in the literature in individuals affected with ADGRV1-related conditions. This sequence change replaces glutamic acid, which is acidic and polar, with lysine, which is basic and polar, at codon 3143 of the ADGRV1 protein (p.Glu3143Lys). This variant is not present in population databases (gnomAD no frequency). ClinVar contains an entry for this variant (Variation ID: 1005499). Algorithms developed to predict the effect of missense changes on protein structure and function are either unavailable or do not agree on the potential impact of this missense change (SIFT: "Deleterious"; PolyPhen-2: "Possibly Damaging"; Align-GVGD: "Class C0"). In summary, the available evidence is currently insufficient to determine the role of this variant in disease. Therefore, it has been classified as a Variant of Uncertain Significance.

NM_032119.4(ADGRV1):c.9427G>A (p.Glu3143Lys)

Gene: ADGRV1 (adhesion G protein-coupled receptor V1; plus strand). Cytogenetic location: 5q14.3.
Variant type: single nucleotide variant.
Coding change: c.9427G>A on transcript NM_032119.4 (MANE Select); coding-DNA position 9427, G replaced by A.
Protein change: p.Glu3143Lys; replaces glutamic acid 3143 with lysine.
Molecular consequence: missense variant. On other transcripts: non-coding transcript variant (1).
Genome position (GRCh38, 1-based): chr5:90,716,709, G>A. VCF-style: chr5-90716709-G-A. GRCh37 (hg19) VCF-style: chr5-90012526-G-A.
Other names: short protein forms E3143K.
Identifiers: ClinVar variation 1005499 (VCV001005499.8), dbSNP rs770656180, ClinGen allele CA360397763.